The following is an entry in ClinVar:

ClinVar aggregate classification (germline): Benign. Review status: criteria provided, multiple submitters, no conflicts (2 of 4 stars). 4 submissions from 4 submitters: Benign (4). Last evaluated 2026-02-02.

Conditions:
Cardiovascular phenotype. Identifiers: MedGen CN230736.
Primary dilated cardiomyopathy (DCM). Also called: Dilated Cardiomyopathy. Identifiers: Orphanet 217604, MedGen C0007193, MeSH D002311, MONDO:0005021, HP:0001644. Inheritance: Various modes of inheritance.

Allele frequency attached by ClinVar (database versions not stated): gnomAD exomes 0.00395 and 0.00660; ExAC 0.00709; gnomAD 0.01485 and 0.01575; 1000 Genomes Project 0.01697; TOPMed 0.01719; ESP Exome Variant Server 0.01787; 1000 Genomes Project 30x 0.01796.
gnomAD v4.1: 8,228 of 1,612,016 alleles (0.51%); highest among the groups gnomAD compares: African/African-American, 4.5%; 95 homozygotes.

Submissions (4):

Labcorp Genetics (formerly Invitae), Labcorp
Classification: Benign for Primary dilated cardiomyopathy. Last evaluated: 2026-02-02. Review status: criteria provided, single submitter. Criteria: Invitae Variant Classification Sherloc (09022015). Collection method: clinical testing. Allele origin: germline.

GeneDx
Classification: Benign. Last evaluated: 2016-10-11. Review status: criteria provided, single submitter. Criteria: GeneDx Variant Classification (06012015). Collection method: clinical testing. Allele origin: germline. Affected: yes.
Comment: This variant is considered likely benign or benign based on one or more of the following criteria: it is a conservative change, it occurs at a poorly conserved position in the protein, it is predicted to be benign by multiple in silico algorithms, and/or has population frequency not consistent with disease.

Ambry Genetics
Classification: Benign for Cardiovascular phenotype. Last evaluated: 2015-08-21. Review status: criteria provided, single submitter. Criteria: Ambry Variant Classification Scheme 2023. Collection method: clinical testing. Allele origin: germline.

Breakthrough Genomics
Classification: Benign. Review status: criteria provided, single submitter. Criteria: ACMG Guidelines, 2015. Collection method: not provided. Allele origin: germline. Inheritance: Autosomal recessive inheritance. Affected: yes.

NM_006440.5(TXNRD2):c.1099C>T (p.Leu367=)

Gene: TXNRD2 (thioredoxin reductase 2; minus strand). Cytogenetic location: 22q11.21.
Variant type: single nucleotide variant.
Coding change: c.1099C>T on transcript NM_006440.5 (MANE Select); coding-DNA position 1099, C replaced by T.
Protein change: p.Leu367=; no amino-acid change (leucine 367 retained).
Molecular consequence: synonymous variant. On other transcripts: non-coding transcript variant (1).
Genome position (GRCh38, 1-based): chr22:19,880,705, G>A on the plus strand (C>T on the coding strand, the complement: TXNRD2 is on the minus strand). VCF-style: chr22-19880705-G-A. GRCh37 (hg19) VCF-style: chr22-19868228-G-A.
Other names: c.1096C>T, p.Leu366= (NM_001352300.2); c.1009C>T, p.Leu337= (NM_001352301.2); c.811C>T, p.Leu271= (NM_001352302.2).
Identifiers: ClinVar variation 263358 (VCV000263358.17), dbSNP rs35544159, ClinGen allele CA10103806.